The following is an entry in ClinVar:

ClinVar aggregate classification (germline): Uncertain significance (1 of 4 stars; one submission).

gnomAD v4.1: 1 of 1,611,726 alleles (0.000062%); highest among the groups gnomAD compares: Non-Finnish European, 0.000085%; no homozygotes.

Submission:

Labcorp Genetics (formerly Invitae), Labcorp
Classification: Uncertain significance. Last evaluated: 2026-01-11. Review status: criteria provided, single submitter. Criteria: Invitae Variant Classification Sherloc (09022015). Collection method: clinical testing. Allele origin: germline.
Comment: This sequence change replaces proline, which is neutral and non-polar, with leucine, which is neutral and non-polar, at codon 833 of the DCHS1 protein (p.Pro833Leu). This variant is not present in population databases (gnomAD no frequency). This variant has not been reported in the literature in individuals affected with DCHS1-related conditions. Invitae Evidence Modeling of protein sequence and biophysical properties (such as structural, functional, and spatial information, amino acid conservation, physicochemical variation, residue mobility, and thermodynamic stability) indicates that this missense variant is not expected to disrupt DCHS1 protein function with a negative predictive value of 80%. In summary, the available evidence is currently insufficient to determine the role of this variant in disease. Therefore, it has been classified as a Variant of Uncertain Significance.

NM_003737.4(DCHS1):c.2498C>T (p.Pro833Leu)

Gene: DCHS1 (dachsous cadherin-related 1; minus strand). Cytogenetic location: 11p15.4.
Variant type: single nucleotide variant.
Coding change: c.2498C>T on transcript NM_003737.4 (MANE Select); coding-DNA position 2498, C replaced by T.
Protein change: p.Pro833Leu; replaces proline 833 with leucine.
Molecular consequence: missense variant.
Genome position (GRCh38, 1-based): chr11:6,633,014, G>A on the plus strand (C>T on the coding strand, the complement: DCHS1 is on the minus strand). VCF-style: chr11-6633014-G-A. GRCh37 (hg19) VCF-style: chr11-6654245-G-A.
Other names: short protein forms P833L.
Identifiers: ClinVar variation 4776216 (VCV004776216.1).